The following is an entry in ClinVar:

ClinVar aggregate classification (germline): Uncertain significance (1 of 4 stars; one submission).

Submission:

Labcorp Genetics (formerly Invitae), Labcorp
Classification: Uncertain significance. Last evaluated: 2024-10-17. Review status: criteria provided, single submitter. Criteria: Invitae Variant Classification Sherloc (09022015). Collection method: clinical testing. Allele origin: germline.
Comment: This sequence change replaces leucine, which is neutral and non-polar, with histidine, which is basic and polar, at codon 71 of the NLRP1 protein (p.Leu71His). This variant is not present in population databases (gnomAD no frequency). This variant has not been reported in the literature in individuals affected with NLRP1-related conditions. An algorithm developed to predict the effect of missense changes on protein structure and function (PolyPhen-2) suggests that this variant is likely to be tolerated. In summary, the available evidence is currently insufficient to determine the role of this variant in disease. Therefore, it has been classified as a Variant of Uncertain Significance.

NM_033004.4(NLRP1):c.212T>A (p.Leu71His)

Gene: NLRP1 (NLR family pyrin domain containing 1; minus strand). Cytogenetic location: 17p13.2.
Variant type: single nucleotide variant.
Coding change: c.212T>A on transcript NM_033004.4 (MANE Select); coding-DNA position 212, T replaced by A.
Protein change: p.Leu71His; replaces leucine 71 with histidine.
Molecular consequence: missense variant.
Genome position (GRCh38, 1-based): chr17:5,583,746, A>T on the plus strand (T>A on the coding strand, the complement: NLRP1 is on the minus strand). VCF-style: chr17-5583746-A-T. GRCh37 (hg19) VCF-style: chr17-5487066-A-T.
Other names: c.212T>A, p.Leu71His (NM_001033053.3, NM_014922.5, NM_033006.4 and 1 more transcripts); short protein forms L71H.
Identifiers: ClinVar variation 3684539 (VCV003684539.2).